The following is an entry in ClinVar:

ClinVar aggregate classification (germline): Uncertain significance (1 of 4 stars; one submission).

Submission:

Labcorp Genetics (formerly Invitae), Labcorp
Classification: Uncertain significance. Last evaluated: 2022-04-01. Review status: criteria provided, single submitter. Criteria: Invitae Variant Classification Sherloc (09022015). Collection method: clinical testing. Allele origin: germline.
Comment: In summary, the available evidence is currently insufficient to determine the role of this variant in disease. Therefore, it has been classified as a Variant of Uncertain Significance. Algorithms developed to predict the effect of missense changes on protein structure and function (SIFT, PolyPhen-2, Align-GVGD) all suggest that this variant is likely to be disruptive. This variant has not been reported in the literature in individuals affected with UROD-related conditions. This variant is not present in population databases (gnomAD no frequency). This sequence change replaces leucine, which is neutral and non-polar, with proline, which is neutral and non-polar, at codon 181 of the UROD protein (p.Leu181Pro).

NM_000374.5(UROD):c.542T>C (p.Leu181Pro)

Gene: UROD (uroporphyrinogen decarboxylase; plus strand). Cytogenetic location: 1p34.1.
Variant type: single nucleotide variant.
Coding change: c.542T>C on transcript NM_000374.5 (MANE Select); coding-DNA position 542, T replaced by C.
Protein change: p.Leu181Pro; replaces leucine 181 with proline.
Molecular consequence: missense variant. On other transcripts: non-coding transcript variant (3).
Genome position (GRCh38, 1-based): chr1:45,013,976, T>C. VCF-style: chr1-45013976-T-C. GRCh37 (hg19) VCF-style: chr1-45479648-T-C.
Other names: short protein forms L181P.
Identifiers: ClinVar variation 2096407 (VCV002096407.4), dbSNP rs2522918982, ClinGen allele CA340118298.